The following is an entry in ClinVar:

ClinVar aggregate classification (germline): Benign. Review status: criteria provided, multiple submitters, no conflicts (2 of 4 stars). 2 submissions from 2 submitters: Benign (2). Last evaluated 2018-06-14.

Allele frequency attached by ClinVar (database versions not stated): gnomAD exomes 0.01565; TOPMed 0.15395; 1000 Genomes Project 0.16134; 1000 Genomes Project 30x 0.17177.
gnomAD v4.1: 25,817 of 443,960 alleles (5.8%); highest among the groups gnomAD compares: African/African-American, 47%; 5,461 homozygotes.

Submissions (2):

GeneDx
Classification: Benign. Last evaluated: 2018-06-14. Review status: criteria provided, single submitter. Criteria: GeneDx Variant Classification (06012015). Collection method: clinical testing. Allele origin: germline. Affected: yes.
Comment: This variant is considered likely benign or benign based on one or more of the following criteria: it is a conservative change, it occurs at a poorly conserved position in the protein, it is predicted to be benign by multiple in silico algorithms, and/or has population frequency not consistent with disease.

Breakthrough Genomics
Classification: Benign. Review status: criteria provided, single submitter. Criteria: ACMG Guidelines, 2015. Collection method: not provided. Allele origin: germline. Inheritance: Autosomal recessive inheritance. Affected: yes.

NM_001482.3(GATM):c.69+248C>T

Gene: GATM (glycine amidinotransferase; minus strand). Cytogenetic location: 15q21.1.
Variant type: single nucleotide variant.
Coding change: c.69+248C>T on transcript NM_001482.3 (MANE Select); 248 bases into the intron after coding-DNA position 69, C replaced by T.
Molecular consequence: intron variant.
Genome position (GRCh38, 1-based): chr15:45,378,137, G>A on the plus strand (C>T on the coding strand, the complement: GATM is on the minus strand). VCF-style: chr15-45378137-G-A. GRCh37 (hg19) VCF-style: chr15-45670335-G-A.
Other names: c.-318-1318C>T (NM_001321015.2).
Identifiers: ClinVar variation 680742 (VCV000680742.2), dbSNP rs1055395, ClinGen allele CA14159735.